The following is an entry in ClinVar:

ClinVar aggregate classification (germline): Likely benign (1 of 4 stars; one submission).

Conditions:
Behavior disorder. Also called: Behavioral disorder. Identifiers: MedGen C0004930.

Allele frequency attached by ClinVar (database versions not stated): gnomAD 0.00053 and 0.00074; TOPMed 0.00072; 1000 Genomes Project 30x 0.00281; 1000 Genomes Project 0.00300.

Submission:

Illumina Laboratory Services, Illumina
Classification: Likely benign for Behavior disorder. Last evaluated: 2018-01-13. Review status: criteria provided, single submitter. Criteria: ICSL Variant Classification Criteria 13 December 2019. Collection method: clinical testing. Allele origin: germline.
Comment: This variant was observed in the ICSL laboratory as part of a predisposition screen in an ostensibly healthy population. It had not been previously curated by ICSL or reported in the Human Gene Mutation Database (HGMD: prior to June 1st, 2018), and was therefore a candidate for classification through an automated scoring system. Utilizing variant allele frequency, disease prevalence and penetrance estimates, and inheritance mode, an automated score was calculated to assess if this variant is too frequent to cause the disease. Based on the score and internal cut-off values, a variant classified as likely benign is not then subjected to further curation. The score for this variant resulted in a classification of likely benign for this disease.

NM_001045.6(SLC6A4):c.*3047A>G

Gene: SLC6A4 (solute carrier family 6 member 4; minus strand). Cytogenetic location: 17q11.2.
Variant type: single nucleotide variant.
Coding change: c.*3047A>G on transcript NM_001045.6 (MANE Select); 3047 bases downstream of the stop codon, A replaced by G.
Molecular consequence: 3 prime UTR variant.
Genome position (GRCh38, 1-based): chr17:30,195,409, T>C on the plus strand (A>G on the coding strand, the complement: SLC6A4 is on the minus strand). VCF-style: chr17-30195409-T-C. GRCh37 (hg19) VCF-style: chr17-28522427-T-C.
Identifiers: ClinVar variation 889817 (VCV000889817.4), dbSNP rs138050977, ClinGen allele CA289253848.
Genomic context (GRCh38, chr17:30,195,409, plus strand): 5'-CTCCCAGGTTCAAGTGATTATCCCACCTCAGTCTCCCAAGTAGCTGGGATTACAGGAGCA[T>C]GCCACCATGGCTGGCTAATTTTTGTATTTTTAGTAGAGATGGGGTTTCACCATGTTGGCC-3'